The following is an entry in ClinVar:

NM_000465.4(BARD1):c.1903+9T>C

Gene: BARD1 (BRCA1 associated RING domain 1; minus strand). Cytogenetic location: 2q35.
Variant type: single nucleotide variant.
Coding change: c.1903+9T>C on transcript NM_000465.4 (MANE Select); 9 bases into the intron after coding-DNA position 1903, T replaced by C.
Molecular consequence: intron variant.
Genome position (GRCh38, 1-based): chr2:214,745,058, A>G on the plus strand (T>C on the coding strand, the complement: BARD1 is on the minus strand). VCF-style: chr2-214745058-A-G. GRCh37 (hg19) VCF-style: chr2-215609782-A-G.
Other names: c.493+9T>C (NM_001282548.2); c.1846+9T>C (NM_001282543.2); c.550+9T>C (NM_001282545.2); c.365-14550T>C (NM_001282549.2).
Identifiers: ClinVar variation 1511379 (VCV001511379.10), dbSNP rs2106018584, ClinGen allele CA2573135098.

ClinVar aggregate classification (germline): Likely benign. Review status: criteria provided, multiple submitters, no conflicts (2 of 4 stars). 2 submissions from 2 submitters: Likely benign (2). Last evaluated 2024-07-29.

Conditions:
Familial cancer of breast. Also called: hereditary breast carcinoma; Hereditary breast cancer; BREAST CANCER, FAMILIAL. Identifiers: Orphanet 227535, MedGen C0346153, MONDO:0016419, OMIM 114480. Disease mechanism: loss of function.

Submissions (2):

Myriad Genetics, Inc.
Classification: Likely benign for Familial cancer of breast. Last evaluated: 2024-07-29. Review status: criteria provided, single submitter. Criteria: Myriad Autosomal Dominant, Autosomal Recessive and X-Linked Classification Criteria (2023). Collection method: clinical testing. Allele origin: unknown.
Comment: This variant is considered likely benign. This variant is intronic and is not expected to impact mRNA splicing.

Labcorp Genetics (formerly Invitae), Labcorp
Classification: Likely benign for Familial cancer of breast. Last evaluated: 2023-07-17. Review status: criteria provided, single submitter. Criteria: Invitae Variant Classification Sherloc (09022015). Collection method: clinical testing. Allele origin: germline.